The following is an entry in ClinVar:

NM_000179.3(MSH6):c.3551T>C (p.Met1184Thr)

Gene: MSH6 (mutS homolog 6; plus strand). Cytogenetic location: 2p16.3.
Variant type: single nucleotide variant.
Coding change: c.3551T>C on transcript NM_000179.3 (MANE Select); coding-DNA position 3551, T replaced by C.
Protein change: p.Met1184Thr; replaces methionine 1184 with threonine.
Molecular consequence: missense variant.
Genome position (GRCh38, 1-based): chr2:47,805,022, T>C. VCF-style: chr2-47805022-T-C. GRCh37 (hg19) VCF-style: chr2-48032161-T-C.
Other names: c.3161T>C, p.Met1054Thr (NM_001281492.2); c.2645T>C, p.Met882Thr (NM_001281493.2, NM_001281494.2); short protein forms M1184T, M1054T, M882T.
Identifiers: ClinVar variation 576416 (VCV000576416.14), dbSNP rs751225252, ClinGen allele CA071193.

ClinVar aggregate classification (germline): Conflicting classifications of pathogenicity. Review status: criteria provided, conflicting classifications (1 of 4 stars). 4 submissions from 4 submitters: Uncertain significance (3); Likely benign (1). Last evaluated 2025-06-26.

Conditions:
Hereditary cancer-predisposing syndrome. Also called: Tumor predisposition; Hereditary neoplastic syndrome; Hereditary Cancer Syndrome; Neoplastic Syndromes, Hereditary. Identifiers: Orphanet 140162, MedGen C0027672, MeSH D009386, MONDO:0015356.
Hereditary nonpolyposis colorectal neoplasms. Identifiers: MedGen C0009405, MeSH D003123.

Allele frequency attached by ClinVar (database versions not stated): gnomAD exomes below 0.00001; ExAC 0.00001; TOPMed 0.00001.

Submissions (4):

Women's Health and Genetics/Laboratory Corporation of America, LabCorp
Classification: Uncertain significance. Last evaluated: 2025-06-26. Review status: criteria provided, single submitter. Criteria: LabCorp Variant Classification Summary - May 2015. Collection method: clinical testing. Allele origin: germline.

Labcorp Genetics (formerly Invitae), Labcorp
Classification: Likely benign for Hereditary nonpolyposis colorectal neoplasms. Last evaluated: 2025-05-22. Review status: criteria provided, single submitter. Criteria: Invitae Variant Classification Sherloc (09022015). Collection method: clinical testing. Allele origin: germline.

Color Diagnostics, LLC DBA Color Health
Classification: Uncertain significance for Hereditary cancer-predisposing syndrome. Last evaluated: 2024-08-14. Review status: criteria provided, single submitter. Criteria: ACMG Guidelines, 2015. Collection method: clinical testing. Allele origin: germline.
Comment: This missense variant replaces methionine with threonine at codon 1184 of the MSH6 protein. Computational prediction suggests that this variant may have deleterious impact on protein structure and function. To our knowledge, functional studies have not been reported for this variant. This variant has not been reported in individuals affected with MSH6-related disorders in the literature. This variant has been identified in 1/251074 chromosomes in the general population by the Genome Aggregation Database (gnomAD). The available evidence is insufficient to determine the role of this variant in disease conclusively. Therefore, this variant is classified as a Variant of Uncertain Significance.

Ambry Genetics
Classification: Uncertain significance for Hereditary cancer-predisposing syndrome. Last evaluated: 2021-12-09. Review status: criteria provided, single submitter. Criteria: Ambry Variant Classification Scheme 2023. Collection method: clinical testing. Allele origin: germline.
Comment: The p.M1184T variant (also known as c.3551T>C), located in coding exon 6 of the MSH6 gene, results from a T to C substitution at nucleotide position 3551. The methionine at codon 1184 is replaced by threonine, an amino acid with similar properties. This amino acid position is highly conserved in available vertebrate species. In addition, this alteration is predicted to be deleterious by in silico analysis. Since supporting evidence is limited at this time, the clinical significance of this alteration remains unclear.